The following is an entry in ClinVar:

NM_000292.3(PHKA2):c.132G>A (p.Val44=)

Gene: PHKA2 (phosphorylase kinase regulatory subunit alpha 2; minus strand). Cytogenetic location: Xp22.13.
Variant type: single nucleotide variant.
Coding change: c.132G>A on transcript NM_000292.3 (MANE Select); coding-DNA position 132, G replaced by A.
Protein change: p.Val44=; no amino-acid change (valine 44 retained).
Molecular consequence: synonymous variant.
Genome position (GRCh38, 1-based): chrX:18,954,359, C>T on the plus strand (G>A on the coding strand, the complement: PHKA2 is on the minus strand). VCF-style: chrX-18954359-C-T. GRCh37 (hg19) VCF-style: chrX-18972477-C-T.
Identifiers: ClinVar variation 506734 (VCV000506734.4), dbSNP rs61733285, ClinGen allele CA10362176.
Genomic context (GRCh38, chrX:18,954,359, plus strand): 5'-ATTCTTACGGTAGGCCATGCCCAGGCCCCACACGGCCAGGATACTGTAGATGTTATCCCG[C>T]ACCCAGGCATCCTTCTGCTCATGGCTGGCTGACAGCAGCCCCGTGACGGGATTCTATTAG-3'
Protein context (NP_000283.1, residues 34-54): SASHEQKDAW[Val44=]RDNIYSILAV

ClinVar aggregate classification (germline): Benign/Likely benign. Review status: criteria provided, multiple submitters, no conflicts (2 of 4 stars). 3 submissions from 3 submitters: Benign (1); Likely benign (2). Last evaluated 2025-12-19.

Conditions:
Glycogen storage disease IXa1. Also called: LIVER GLYCOGENOSIS, X-LINKED, TYPE I; GLYCOGEN STORAGE DISEASE VIII; GSD VIII; Glycogen storage disease 8. Identifiers: Orphanet 264580, MedGen C3694531, MONDO:0010598, OMIM 306000.
PHKA2-related disorder. Also called: PHKA2-related condition.

Allele frequency attached by ClinVar (database versions not stated): gnomAD exomes 0.00003 and 0.00010; ExAC 0.00008; 1000 Genomes Project 0.00026; gnomAD 0.00030; ESP Exome Variant Server 0.00038; 1000 Genomes Project 30x 0.00042; TOPMed 0.00048.
gnomAD v4.1: 77 of 1,210,192 alleles (0.0064%); highest among the groups gnomAD compares: African/African-American, 0.1%; no homozygotes.

Submissions (3):

Labcorp Genetics (formerly Invitae), Labcorp
Classification: Benign for Glycogen storage disease IXa1. Last evaluated: 2025-12-19. Review status: criteria provided, single submitter. Criteria: Invitae Variant Classification Sherloc (09022015). Collection method: clinical testing. Allele origin: germline.

PreventionGenetics, part of Exact Sciences
Classification: Likely benign for PHKA2-related condition. Last evaluated: 2024-11-25. Review status: criteria provided, single submitter. Criteria: ACMG Guidelines, 2015. Collection method: clinical testing. Allele origin: germline.
Comment: This variant is classified as likely benign based on ACMG/AMP sequence variant interpretation guidelines (Richards et al. 2015 PMID: 25741868, with internal and published modifications).

GeneDx
Classification: Likely benign. Last evaluated: 2017-03-22. Review status: criteria provided, single submitter. Criteria: GeneDx Variant Classification (06012015). Collection method: clinical testing. Allele origin: germline. Affected: yes.
Comment: This variant is considered likely benign or benign based on one or more of the following criteria: it is a conservative change, it occurs at a poorly conserved position in the protein, it is predicted to be benign by multiple in silico algorithms, and/or has population frequency not consistent with disease.